The following is an entry in ClinVar:

NM_000554.6(CRX):c.263A>G (p.Lys88Arg)

Gene: CRX (cone-rod homeobox; plus strand). Cytogenetic location: 19q13.33.
Variant type: single nucleotide variant.
Coding change: c.263A>G on transcript NM_000554.6 (MANE Select); coding-DNA position 263, A replaced by G.
Protein change: p.Lys88Arg; replaces lysine 88 with arginine.
Molecular consequence: missense variant.
Genome position (GRCh38, 1-based): chr19:47,839,330, A>G. VCF-style: chr19-47839330-A-G. GRCh37 (hg19) VCF-style: chr19-48342587-A-G.
Other names: short protein forms K88R.
Identifiers: ClinVar variation 1020865 (VCV001020865.46), dbSNP rs1001151383, ClinGen allele CA309212205.
Genomic context (GRCh38, chr19:47,839,330, plus strand): 5'-CTGGGCCTCTTCCCCACTTACCCACCCCCATCTCCGCTCTTATCCCCCAGGTTTGGTTCA[A>G]GAACCGGAGGGCTAAATGCAGGCAGCAGCGACAGCAGCAGAAACAGCAGCAGCAGCCCCC-3'
Protein context (NP_000545.1, residues 78-98): LPESRVQVWF[Lys88Arg]NRRAKCRQQR

ClinVar aggregate classification (germline): Pathogenic/Likely pathogenic. Review status: criteria provided, multiple submitters, no conflicts (2 of 4 stars). 4 submissions from 4 submitters: Pathogenic (1); Likely pathogenic (3). Last evaluated 2025-02-25.

Conditions:
Leber congenital amaurosis 7 (LCA7). Identifiers: Orphanet 65, MedGen C3151192, MONDO:0013449, OMIM 613829.
Cone-rod dystrophy 2 (CORD2). Also called: CONE-ROD RETINAL DYSTROPHY; Cone-rod retinal dystrophy 2. Identifiers: Orphanet 1872, MedGen C3489532, MONDO:0007362, OMIM 120970.
Retinitis pigmentosa (RP). Identifiers: Orphanet 791, MedGen C0035334, MeSH D012174, MONDO:0019200, OMIM 268000. Inheritance: Autosomal dominant, autosomal recessive and X linked inheritance.

Submissions (4):

Labcorp Genetics (formerly Invitae), Labcorp
Classification: Pathogenic for Cone-rod dystrophy 2; Leber congenital amaurosis 7. Last evaluated: 2025-02-25. Review status: criteria provided, single submitter. Criteria: Invitae Variant Classification Sherloc (09022015). Collection method: clinical testing. Allele origin: germline.
Comment: This sequence change replaces lysine, which is basic and polar, with arginine, which is basic and polar, at codon 88 of the CRX protein (p.Lys88Arg). This variant is not present in population databases (gnomAD no frequency). This missense change has been observed in individuals with autosomal dominant inherited retinal dystrophy and/or clinical features of inherited retinal dystrophy (PMID: 34662339; internal data). It has also been observed to segregate with disease in related individuals. ClinVar contains an entry for this variant (Variation ID: 1020865). Invitae Evidence Modeling of protein sequence and biophysical properties (such as structural, functional, and spatial information, amino acid conservation, physicochemical variation, residue mobility, and thermodynamic stability) has been performed for this missense variant. However, the output from this modeling did not meet the statistical confidence thresholds required to predict the impact of this variant on CRX protein function. This variant disrupts the p.Lys88 amino acid residue in CRX. Other variant(s) that disrupt this residue have been determined to be pathogenic (PMID: 20513135). This suggests that this residue is clinically significant, and that variants that disrupt this residue are likely to be disease-causing. For these reasons, this variant has been classified as Pathogenic.

Genetics and Molecular Pathology, SA Pathology
Classification: Likely pathogenic for Cone-rod dystrophy 2. Last evaluated: 2023-04-24. Review status: criteria provided, single submitter. Criteria: ACMG Guidelines, 2015. Collection method: clinical testing. Allele origin: germline. Affected: yes.

CeGaT Center for Human Genetics Tuebingen
Classification: Likely pathogenic. Last evaluated: 2021-07-01. Review status: criteria provided, single submitter. Criteria: CeGaT Center For Human Genetics Tuebingen Variant Classification Criteria Version 2. Collection method: clinical testing. Allele origin: germline. Affected: yes. Observed: 2 variant alleles.

DBGen Ocular Genomics
Classification: Likely pathogenic for Retinitis pigmentosa. Last evaluated: 2021-06-07. Review status: criteria provided, single submitter. Criteria: ACMG Guidelines, 2015. Collection method: clinical testing. Allele origin: germline. Affected: yes. Observed: 1 variant allele.

Literature cited by the submitters: PubMed 34662339 (cited by Labcorp Genetics (formerly Invitae), Labcorp); PubMed 20513135 (cited by Labcorp Genetics (formerly Invitae), Labcorp).